The following is an entry in ClinVar:

ClinVar aggregate classification (germline): Uncertain significance. Review status: criteria provided, multiple submitters, no conflicts (2 of 4 stars). 3 submissions from 3 submitters: Uncertain significance (3). Last evaluated 2025-11-27.

Conditions:
Cardiomyopathy (CMYO). Also called: Cardiomyopathies. Identifiers: Orphanet 167848, MedGen C0878544, MONDO:0004994, HP:0001638. Inheritance: Various modes of inheritance.
Hypertrophic cardiomyopathy. Also called: HYPERTROPHIC MYOCARDIOPATHY. Identifiers: Orphanet 217569, MedGen C0007194, MeSH D002312, MONDO:0005045, HP:0001639.

Allele frequency attached by ClinVar (database versions not stated): ExAC 0.00001; gnomAD exomes 0.00001.
gnomAD v4.1: 16 of 1,585,458 alleles (0.001%); highest among the groups gnomAD compares: African/African-American, 0.0013%; no homozygotes.

Submissions (3):

Labcorp Genetics (formerly Invitae), Labcorp
Classification: Uncertain significance for Hypertrophic cardiomyopathy. Last evaluated: 2025-11-27. Review status: criteria provided, single submitter. Criteria: Invitae Variant Classification Sherloc (09022015). Collection method: clinical testing. Allele origin: germline.
Comment: This sequence change replaces lysine, which is basic and polar, with glutamic acid, which is acidic and polar, at codon 1173 of the MYH7 protein (p.Lys1173Glu). This variant is present in population databases (rs765653395, gnomAD 0.001%). This variant has not been reported in the literature in individuals affected with MYH7-related conditions. ClinVar contains an entry for this variant (Variation ID: 2193362). Invitae Evidence Modeling of protein sequence and biophysical properties (such as structural, functional, and spatial information, amino acid conservation, physicochemical variation, residue mobility, and thermodynamic stability) indicates that this missense variant is expected to disrupt MYH7 protein function with a positive predictive value of 95%. In summary, the available evidence is currently insufficient to determine the role of this variant in disease. Therefore, it has been classified as a Variant of Uncertain Significance.

Color Diagnostics, LLC DBA Color Health
Classification: Uncertain significance for Cardiomyopathy. Last evaluated: 2024-03-06. Review status: criteria provided, single submitter. Criteria: ACMG Guidelines, 2015. Collection method: clinical testing. Allele origin: germline.
Comment: This missense variant replaces lysine with glutamic acid at codon 1173 of the MYH7 protein. Computational prediction suggests that this variant may have deleterious impact on protein structure and function (internally defined REVEL score threshold >= 0.7, PMID: 27666373). To our knowledge, functional studies have not been reported for this variant. This variant has not been reported in individuals affected with cardiovascular disorders in the literature. This variant has been identified in 1/218396 chromosomes in the general population by the Genome Aggregation Database (gnomAD). The available evidence is insufficient to determine the role of this variant in disease conclusively. Therefore, this variant is classified as a Variant of Uncertain Significance.

All of Us Research Program, National Institutes of Health
Classification: Uncertain significance for Cardiomyopathy. Last evaluated: 2024-02-22. Review status: criteria provided, single submitter. Criteria: ACMG Guidelines, 2015. Collection method: clinical testing. Allele origin: germline. Inheritance: Autosomal dominant inheritance. Observed: 3 variant alleles, 3 heterozygotes.
Comment: This missense variant replaces lysine with glutamic acid at codon 1173 of the MYH7 protein. Computational prediction suggests that this variant may have deleterious impact on protein structure and function (internally defined REVEL score threshold >= 0.7, PMID: 27666373). To our knowledge, functional studies have not been reported for this variant. This variant has not been reported in individuals affected with cardiovascular disorders in the literature. This variant has been identified in 1/218396 chromosomes in the general population by the Genome Aggregation Database (gnomAD). The available evidence is insufficient to determine the role of this variant in disease conclusively. Therefore, this variant is classified as a Variant of Uncertain Significance.

This study involves interpretation of variants in research participants for the purpose of population health screening. Participant phenotype was not available at the time of variant classification. Additional details can be found in publication PMID: 35346344, PMCID: PMC8962531

NM_000257.4(MYH7):c.3517A>G (p.Lys1173Glu)

Gene: MYH7 (myosin heavy chain 7; minus strand). Cytogenetic location: 14q11.2.
Variant type: single nucleotide variant.
Coding change: c.3517A>G on transcript NM_000257.4 (MANE Select); coding-DNA position 3517, A replaced by G.
Protein change: p.Lys1173Glu; replaces lysine 1173 with glutamic acid.
Molecular consequence: missense variant.
Genome position (GRCh38, 1-based): chr14:23,420,054, T>C on the plus strand (A>G on the coding strand, the complement: MYH7 is on the minus strand). VCF-style: chr14-23420054-T-C. GRCh37 (hg19) VCF-style: chr14-23889263-T-C.
Other names: c.3517A>G, p.Lys1173Glu (NM_001407004.1); short protein forms K1173E.
Identifiers: ClinVar variation 2193362 (VCV002193362.7), dbSNP rs765653395, ClinGen allele CA037742.